The following is an entry in ClinVar:

NM_031935.3(HMCN1):c.4782A>G (p.Ala1594=)

Gene: HMCN1 (hemicentin 1; plus strand). Cytogenetic location: 1q31.1.
Variant type: single nucleotide variant.
Coding change: c.4782A>G on transcript NM_031935.3 (MANE Select); coding-DNA position 4782, A replaced by G.
Protein change: p.Ala1594=; no amino-acid change (alanine 1594 retained).
Molecular consequence: synonymous variant.
Genome position (GRCh38, 1-based): chr1:186,015,310, A>G. VCF-style: chr1-186015310-A-G. GRCh37 (hg19) VCF-style: chr1-185984442-A-G.
Identifiers: ClinVar variation 775631 (VCV000775631.17), dbSNP rs78613732, ClinGen allele CA1292098.

ClinVar aggregate classification (germline): Benign/Likely benign. Review status: criteria provided, multiple submitters, no conflicts (2 of 4 stars). 6 submissions from 6 submitters: Benign (2); Likely benign (3). 1 of the submissions does not count toward it. Last evaluated 2026-01-01.

Conditions:
HMCN1-related disorder. Also called: HMCN1-related condition.
Age related macular degeneration 1 (ARMD1). Also called: MACULOPATHY, AGE-RELATED, 1. Identifiers: MedGen C1864205, MONDO:0011285, OMIM 603075.

Allele frequency attached by ClinVar (database versions not stated): gnomAD exomes 0.00067; gnomAD 0.00210; TOPMed 0.00277; 1000 Genomes Project 0.00280; ESP Exome Variant Server 0.00285; 1000 Genomes Project 30x 0.00312.
gnomAD v4.1: 700 of 1,613,842 alleles (0.043%); highest among the groups gnomAD compares: African/African-American, 0.8%; 4 homozygotes.

Submissions (6):

Labcorp Genetics (formerly Invitae), Labcorp
Classification: Benign. Last evaluated: 2026-01-01. Review status: criteria provided, single submitter. Criteria: Invitae Variant Classification Sherloc (09022015). Collection method: clinical testing. Allele origin: germline.

Blueprint Genetics
Classification: Likely benign. Last evaluated: 2024-07-18. Review status: criteria provided, single submitter. Criteria: ACMG Guidelines, 2015. Collection method: clinical testing. Allele origin: germline.

Genome-Nilou Lab
Classification: Benign for Age related macular degeneration 1. Last evaluated: 2023-04-11. Review status: criteria provided, single submitter. Criteria: ACMG Guidelines, 2015. Collection method: clinical testing. Allele origin: germline. Affected: no.

Illumina Laboratory Services, Illumina
Classification: Likely benign for Age related macular degeneration 1. Last evaluated: 2018-01-13. Review status: criteria provided, single submitter. Criteria: ICSL Variant Classification Criteria 13 December 2019. Collection method: clinical testing. Allele origin: germline.
Comment: This variant was observed in the ICSL laboratory as part of a predisposition screen in an ostensibly healthy population. It had not been previously curated by ICSL or reported in the Human Gene Mutation Database (HGMD: prior to June 1st, 2018), and was therefore a candidate for classification through an automated scoring system. Utilizing variant allele frequency, disease prevalence and penetrance estimates, and inheritance mode, an automated score was calculated to assess if this variant is too frequent to cause the disease. Based on the score and internal cut-off values, a variant classified as likely benign is not then subjected to further curation. The score for this variant resulted in a classification of likely benign for this disease.

Breakthrough Genomics
Classification: Likely benign. Review status: criteria provided, single submitter. Criteria: ACMG Guidelines, 2015. Collection method: not provided. Allele origin: germline. Inheritance: Autosomal dominant inheritance. Affected: yes.

PreventionGenetics, part of Exact Sciences
Classification: Likely benign for HMCN1-related condition. Last evaluated: 2020-01-22. Review status: no assertion criteria provided. Collection method: clinical testing. Allele origin: germline. Not counted in ClinVar's aggregate classification.
Comment: This variant is classified as likely benign based on ACMG/AMP sequence variant interpretation guidelines (Richards et al. 2015 PMID: 25741868, with internal and published modifications).